The following is an entry in ClinVar:

NM_000051.4(ATM):c.5919-1G>A

Genes: ATM (ATM serine/threonine kinase; plus strand), C11orf65 (chromosome 11 open reading frame 65; minus strand). Cytogenetic location: 11q22.3.
Variant type: single nucleotide variant.
Coding change: c.5919-1G>A on transcript NM_000051.4 (MANE Select); the canonical splice acceptor site of the intron before coding-DNA position 5919, G replaced by A.
Molecular consequence: splice acceptor variant. On other transcripts: intron variant (2).
Genome position (GRCh38, 1-based): chr11:108,312,410, G>A. VCF-style: chr11-108312410-G-A. GRCh37 (hg19) VCF-style: chr11-108183137-G-A.
Other names: c.5919-1G>A (NM_001351834.2); c.641-3339C>T (NM_001330368.2); c.*39-3339C>T (NM_001351110.2).
Identifiers: ClinVar variation 5031001 (VCV005031001.1).

ClinVar aggregate classification (germline): Likely pathogenic (1 of 4 stars; one submission).

Conditions:
Hereditary cancer-predisposing syndrome. Also called: Neoplastic Syndromes, Hereditary; Tumor predisposition; Hereditary neoplastic syndrome; Hereditary Cancer Syndrome. Identifiers: Orphanet 140162, MedGen C0027672, MeSH D009386, MONDO:0015356.

Submission:

Ambry Genetics
Classification: Likely pathogenic for Hereditary cancer-predisposing syndrome. Last evaluated: 2026-06-22. Review status: criteria provided, single submitter. Criteria: Ambry Variant Classification Scheme 2023. Collection method: clinical testing. Allele origin: germline.
Comment: The c.5919-1G>A intronic variant results from a G to A substitution one nucleotide upstream from coding exon 39 of the ATM gene. This nucleotide position is well conserved in available vertebrate species. In silico splice site analysis predicts that this alteration will weaken the native splice acceptor site; however, direct evidence is insufficient at this time (Ambry internal data). This variant is considered to be rare based on population cohorts in the Genome Aggregation Database (gnomAD). Alterations that disrupt the canonical splice site are expected to cause aberrant splicing, resulting in an abnormal protein or a transcript that is subject to nonsense-mediated mRNA decay. As such, this alteration is classified as likely pathogenic.